The following is an entry in ClinVar:

ClinVar aggregate classification (germline): Benign (1 of 4 stars; one submission).

Allele frequency attached by ClinVar (database versions not stated): 1000 Genomes Project 0.12700; 1000 Genomes Project 30x 0.12929; TOPMed 0.15820; gnomAD 0.16223 and 0.16688.
gnomAD v4.1: 24,622 of 152,246 alleles (16%); highest among the groups gnomAD compares: African/African-American, 19%; 2,078 homozygotes.

Submission:

GeneDx
Classification: Benign. Last evaluated: 2018-06-16. Review status: criteria provided, single submitter. Criteria: GeneDx Variant Classification (06012015). Collection method: clinical testing. Allele origin: germline. Affected: yes.
Comment: This variant is considered likely benign or benign based on one or more of the following criteria: it is a conservative change, it occurs at a poorly conserved position in the protein, it is predicted to be benign by multiple in silico algorithms, and/or has population frequency not consistent with disease.

NM_001853.4(COL9A3):c.1323+226C>T

Gene: COL9A3 (collagen type IX alpha 3 chain; plus strand). Cytogenetic location: 20q13.33.
Variant type: single nucleotide variant.
Coding change: c.1323+226C>T on transcript NM_001853.4 (MANE Select); 226 bases into the intron after coding-DNA position 1323, C replaced by T.
Molecular consequence: intron variant.
Genome position (GRCh38, 1-based): chr20:62,832,415, C>T. VCF-style: chr20-62832415-C-T. GRCh37 (hg19) VCF-style: chr20-61463767-C-T.
Identifiers: ClinVar variation 678468 (VCV000678468.1), dbSNP rs2077214, ClinGen allele CA14765349.